The following is an entry in ClinVar:

NM_001846.4(COL4A2):c.1011+1G>A

Gene: COL4A2 (collagen type IV alpha 2 chain; plus strand). Cytogenetic location: 13q34.
Variant type: single nucleotide variant.
Coding change: c.1011+1G>A on transcript NM_001846.4 (MANE Select); the canonical splice donor site of the intron after coding-DNA position 1011, G replaced by A.
Molecular consequence: splice donor variant.
Genome position (GRCh38, 1-based): chr13:110,445,883, G>A. VCF-style: chr13-110445883-G-A. GRCh37 (hg19) VCF-style: chr13-111098230-G-A.
Identifiers: ClinVar variation 1299561 (VCV001299561.2), dbSNP rs1220432347, ClinGen allele CA388733291.

ClinVar aggregate classification (germline): Conflicting classifications of pathogenicity. Review status: criteria provided, conflicting classifications (1 of 4 stars). 2 submissions from 2 submitters: Pathogenic (1); Uncertain significance (1). Last evaluated 2024-02-07.

Conditions:
Brain small vessel disease 2A, autosomal dominant. Also called: Porencephaly 2. Identifiers: Orphanet 2940, Orphanet 99810, MedGen C3280970, MONDO:0013773, OMIM 614483.

Allele frequency attached by ClinVar (database versions not stated): gnomAD exomes below 0.00001.
gnomAD v4.1: 2 of 1,614,168 alleles (0.00012%); highest among the groups gnomAD compares: Admixed American, 0.0017%; no homozygotes.

Submissions (2):

Blueprint Genetics
Classification: Uncertain significance. Last evaluated: 2024-02-07. Review status: criteria provided, single submitter. Criteria: ACMG Guidelines, 2015. Collection method: clinical testing. Allele origin: germline.

Laboratory of Medical Genetics, National & Kapodistrian University of Athens
Classification: Pathogenic for Brain small vessel disease 2A, autosomal dominant. Last evaluated: 2021-08-10. Review status: criteria provided, single submitter. Criteria: ACMG Guidelines, 2015. Collection method: clinical testing. Allele origin: unknown. Affected: yes.
Comment: PVS1, PM2, PP3